The following is an entry in ClinVar:

NM_152490.5(B3GALNT2):c.1418CTC[1] (p.Pro474del)

Genes: B3GALNT2 (beta-1,3-N-acetylgalactosaminyltransferase 2; minus strand), TBCE (tubulin folding cofactor E; plus strand). Cytogenetic location: 1q42.3.
Variant type: Microsatellite.
Coding change: c.1418CTC[1] on transcript NM_152490.5 (MANE Select); one copy of the 3-base unit CTC starting at c.1418; the reference has two copies in a row; one copy, 3 bases deleted; also written c.1421_1423del.
Protein change: p.Pro474del; deletes proline 474.
Molecular consequence: inframe deletion. On other transcripts: 3 prime UTR variant (4).
Genome position (GRCh38, 1-based): chr1:235,450,286-235,450,288, GAG deleted on the plus strand (CTC on the coding strand, the reverse complement: B3GALNT2 is on the minus strand); deleting any 3 consecutive bases within chr1:235,450,286-235,450,291 gives the same sequence; the position shown is the placement nearest the transcript's 3' end. VCF-style (leftmost placement, unchanged base first): chr1-235450285-TGAG-T. GRCh37 (hg19) VCF-style: chr1-235613600-TGAG-T.
Other names: c.*1524GAG[1] (NM_001079515.3, NM_001287801.2, NM_001287802.2 and 1 more transcripts); c.1421_1423del (NM_152490.5, NM_152490.2); short protein forms P474del.
Identifiers: ClinVar variation 1489400 (VCV001489400.9), dbSNP rs752758430, ClinGen allele CA1464589.

ClinVar aggregate classification (germline): Likely pathogenic. Review status: criteria provided, multiple submitters, no conflicts (2 of 4 stars). 3 submissions from 3 submitters: Likely pathogenic (3). Last evaluated 2026-03-12.

Conditions:
Muscular dystrophy-dystroglycanopathy (congenital with brain and eye anomalies), type a, 11 (MDDGA11). Also called: WALKER-WARBURG SYNDROME OR MUSCLE-EYE-BRAIN DISEASE, B3GALNT2-RELATED; Congenital muscular dystrophy-dystroglycanopathy with brain and eye anomalies, type A11; Muscular dystrophy-dystroglycanopathy (congenital with brain and eye anomalies, type A, 11. Identifiers: Orphanet 588, Orphanet 899, MedGen C3554638, MONDO:0014071, OMIM 615181.

Submissions (3):

GeneDx
Classification: Likely pathogenic. Last evaluated: 2026-03-12. Review status: criteria provided, single submitter. Criteria: GeneDx Variant Classification Process June 2021. Collection method: clinical testing. Allele origin: germline.
Comment: Not observed at significant frequency in large population cohorts (gnomAD); In-frame deletion of 1 amino acid(s) in a non-repeat region; This variant is associated with the following publications: (PMID: 26663670, 33290285)

Labcorp Genetics (formerly Invitae), Labcorp
Classification: Likely pathogenic for Muscular dystrophy-dystroglycanopathy (congenital with brain and eye anomalies), type a, 11. Last evaluated: 2025-11-05. Review status: criteria provided, single submitter. Criteria: Invitae Variant Classification Sherloc (09022015). Collection method: clinical testing. Allele origin: germline.
Comment: This variant, c.1421_1423del, results in the deletion of 1 amino acid(s) of the B3GALNT2 protein (p.Pro474del), but otherwise preserves the integrity of the reading frame. This variant is present in population databases (rs752758430, gnomAD 0.005%). This variant has been observed in individual(s) with clinical features of muscular dystrophy-dystroglycanopathy (PMID: 26663670, 33290285). In at least one individual the data is consistent with being in trans (on the opposite chromosome) from a pathogenic variant. ClinVar contains an entry for this variant (Variation ID: 1489400). Experimental studies and prediction algorithms are not available or were not evaluated, and the functional significance of this variant is currently unknown. In summary, the currently available evidence indicates that the variant is pathogenic, but additional data are needed to prove that conclusively. Therefore, this variant has been classified as Likely Pathogenic.

Variantyx, Inc.
Classification: Likely pathogenic for Muscular dystrophy-dystroglycanopathy (congenital with brain and eye anomalies), type a, 11. Last evaluated: 2025-08-07. Review status: criteria provided, single submitter. Criteria: Variantyx Assertion Criteria 2022. Collection method: clinical testing. Allele origin: germline. Inheritance: Autosomal recessive inheritance. Affected: no.
Comment: This is an in-frame deletion variant in the B3GALNT2 gene (OMIM: 610194). Pathogenic variants in this gene have been associated with autosomal recessive congenital muscular dystrophy-dystroglycanopathy with brain and eye anomalies type A11. This variant causes an in-frame deletion of a single amino acid at position 474 of the B3GALNT2 protein (PM4_Supporting). It has been reported in the homozygous or compound heterozygous state in several unrelated affected individuals (PMID: 33290285, 35456500, 26663670) (PM3_Strong), and it has a 0.0042% maximum allele frequency in non-founder control populations (PM2_Supporting). Based on the current evidence, this variant is classified as likely pathogenic for autosomal recessive congenital muscular dystrophy-dystroglycanopathy with brain and eye anomalies type A11.

Literature cited by the submitters: PubMed 26663670 (cited by Labcorp Genetics (formerly Invitae), Labcorp and Variantyx, Inc.); PubMed 33290285 (cited by Labcorp Genetics (formerly Invitae), Labcorp and Variantyx, Inc.); PubMed 35456500 (cited by Variantyx, Inc.).